The following is an entry in ClinVar:

NM_001267550.2(TTN):c.28739C>A (p.Ser9580Ter)

Gene: TTN (titin; minus strand). Cytogenetic location: 2q31.2.
Variant type: single nucleotide variant.
Coding change: c.28739C>A on transcript NM_001267550.2 (MANE Select); coding-DNA position 28739, C replaced by A.
Protein change: p.Ser9580Ter; replaces serine 9580 with a stop codon.
Molecular consequence: nonsense. On other transcripts: intron variant (3).
Genome position (GRCh38, 1-based): chr2:178,709,580, G>T on the plus strand (C>A on the coding strand, the complement: TTN is on the minus strand). VCF-style: chr2-178709580-G-T. GRCh37 (hg19) VCF-style: chr2-179574307-G-T.
Other names: c.27788C>A, p.Ser9263Ter (NM_001256850.1); c.25007C>A, p.Ser8336Ter (NM_133378.4); c.13282+28502C>A (NM_003319.4); c.13858+28502C>A (NM_133437.4); c.13657+28502C>A (NM_133432.3); short protein forms S9580*, S8336*, S9263*.
Identifiers: ClinVar variation 942591 (VCV000942591.8), dbSNP rs375212459, ClinGen allele CA349590074.

ClinVar aggregate classification (germline): Likely pathogenic (1 of 4 stars; one submission).

Conditions:
Dilated cardiomyopathy 1G (CMD1G). Identifiers: Orphanet 154, MedGen C1858763, MONDO:0011400, OMIM 604145.
Autosomal recessive limb-girdle muscular dystrophy type 2J (LGMDR10). Also called: Limb-girdle muscular dystrophy, type 2J; MUSCULAR DYSTROPHY, LIMB-GIRDLE, AUTOSOMAL RECESSIVE 10. Identifiers: Orphanet 140922, MedGen C1837342, MONDO:0012127, OMIM 608807.

Allele frequency attached by ClinVar (database versions not stated): TOPMed below 0.00001; gnomAD 0.00001.
gnomAD v4.1: 1 of 1,605,368 alleles (0.000062%); highest among the groups gnomAD compares: Non-Finnish European, 0.000085%; no homozygotes.

Submission:

Labcorp Genetics (formerly Invitae), Labcorp
Classification: Likely pathogenic for Dilated cardiomyopathy 1G; Autosomal recessive limb-girdle muscular dystrophy type 2J. Last evaluated: 2024-03-28. Review status: criteria provided, single submitter. Criteria: Invitae Variant Classification Sherloc (09022015). Collection method: clinical testing. Allele origin: germline.
Comment: This sequence change creates a premature translational stop signal (p.Ser9580*) in the TTN gene. While this is not anticipated to result in nonsense mediated decay, it is expected to create a truncated TTN protein. This variant is not present in population databases (gnomAD no frequency). This variant has not been observed in the literature in individuals with autosomal recessive TTN-related conditions. This variant has been reported in individual(s) with clinical features of autosomal dominant dilated cardiomyopathy (Invitae); however, the role of the variant in this condition is currently unclear. ClinVar contains an entry for this variant (Variation ID: 942591). This variant is located in the I band of TTN (PMID: 25589632). Truncating variants in this region have been reported in individuals affected with autosomal recessive centronuclear myopathy (PMID: 23975875, Invitae internal data). Truncating variants in this region have also been identified in individuals affected with autosomal dominant dilated cardiomyopathy and/or cardio-related conditions (PMID: 27869827, 32964742, Invitae internal data). In summary, the currently available evidence indicates that the variant is pathogenic, but additional data are needed to prove that conclusively. Therefore, this variant has been classified as Likely Pathogenic.

Literature cited by the submitters: PubMed 25589632; PubMed 23975875; PubMed 27869827; PubMed 32964742.